The following is an entry in ClinVar:

ClinVar aggregate classification (germline): Likely benign (1 of 4 stars; one submission).

Submission:

CeGaT Center for Human Genetics Tuebingen
Classification: Likely benign. Last evaluated: 2025-09-01. Review status: criteria provided, single submitter. Criteria: CeGaT Center For Human Genetics Tuebingen Variant Classification Criteria Version 2. Collection method: clinical testing. Allele origin: germline. Affected: yes. Observed: 1 variant allele.
Comment: SALL4: PM2:Supporting, BP4, BP7

NM_020436.5(SALL4):c.3123T>C (p.Phe1041=)

Gene: SALL4 (spalt like transcription factor 4; minus strand). Cytogenetic location: 20q13.2.
Variant type: single nucleotide variant.
Coding change: c.3123T>C on transcript NM_020436.5 (MANE Select); coding-DNA position 3123, T replaced by C.
Protein change: p.Phe1041=; no amino-acid change (phenylalanine 1041 retained).
Molecular consequence: synonymous variant.
Genome position (GRCh38, 1-based): chr20:51,784,304, A>G on the plus strand (T>C on the coding strand, the complement: SALL4 is on the minus strand). VCF-style: chr20-51784304-A-G. GRCh37 (hg19) VCF-style: chr20-50400843-A-G.
Other names: c.1812T>C, p.Phe604= (NM_001318031.2).
Identifiers: ClinVar variation 4281319 (VCV004281319.7).